The following is an entry in ClinVar:

NM_001005373.4(LRSAM1):c.1730T>C (p.Leu577Pro)

Gene: LRSAM1 (leucine rich repeat and sterile alpha motif containing 1; plus strand). Cytogenetic location: 9q33.3.
Variant type: single nucleotide variant.
Coding change: c.1730T>C on transcript NM_001005373.4 (MANE Select); coding-DNA position 1730, T replaced by C.
Protein change: p.Leu577Pro; replaces leucine 577 with proline.
Molecular consequence: missense variant. On other transcripts: non-coding transcript variant (2).
Genome position (GRCh38, 1-based): chr9:127,495,995, T>C. VCF-style: chr9-127495995-T-C. GRCh37 (hg19) VCF-style: chr9-130258274-T-C.
Other names: c.1730T>C, p.Leu577Pro (NM_001005374.4, NM_001384142.1, NM_138361.5); c.1649T>C, p.Leu550Pro (NM_001190723.3); c.1631T>C, p.Leu544Pro (NM_001384143.1); c.941T>C, p.Leu314Pro (NM_001384144.1); short protein forms L577P, L550P, L314P, L544P.
Identifiers: ClinVar variation 949010 (VCV000949010.9), dbSNP rs1836124813, ClinGen allele CA374935655.

ClinVar aggregate classification (germline): Uncertain significance (1 of 4 stars; one submission).

Conditions:
Charcot-Marie-Tooth disease axonal type 2P. Also called: Charcot-Marie-Tooth Neuropathy Type 2G; CHARCOT-MARIE-TOOTH NEUROPATHY, TYPE 2P; CHARCOT-MARIE-TOOTH DISEASE, AXONAL, TYPE 2G; CMT 2G. Identifiers: Orphanet 300319, Orphanet 99941, MedGen C3280797, MONDO:0013753, OMIM 614436.

Submission:

Labcorp Genetics (formerly Invitae), Labcorp
Classification: Uncertain significance for Charcot-Marie-Tooth disease axonal type 2P. Last evaluated: 2019-06-01. Review status: criteria provided, single submitter. Criteria: Invitae Variant Classification Sherloc (09022015). Collection method: clinical testing. Allele origin: germline.
Comment: In summary, the available evidence is currently insufficient to determine the role of this variant in disease. Therefore, it has been classified as a Variant of Uncertain Significance. Algorithms developed to predict the effect of missense changes on protein structure and function (SIFT, PolyPhen-2, Align-GVGD) all suggest that this variant is likely to be disruptive, but these predictions have not been confirmed by published functional studies and their clinical significance is uncertain. This variant has not been reported in the literature in individuals with LRSAM1-related conditions. This variant is not present in population databases (ExAC no frequency). This sequence change replaces leucine with proline at codon 577 of the LRSAM1 protein (p.Leu577Pro). The leucine residue is highly conserved and there is a moderate physicochemical difference between leucine and proline.